The following is an entry in ClinVar:

ClinVar aggregate classification (germline): Likely benign. Review status: criteria provided, multiple submitters, no conflicts (2 of 4 stars). 2 submissions from 2 submitters: Likely benign (2). Last evaluated 2025-10-06.

Conditions:
Methylmalonic acidemia with homocystinuria, type cblJ (MAHCJ). Also called: METHYLMALONIC ACIDURIA AND HOMOCYSTINURIA, cblJ TYPE. Identifiers: Orphanet 369955, MedGen C3553915, MONDO:0013925, OMIM 614857.

Allele frequency attached by ClinVar (database versions not stated): ExAC 0.00001; gnomAD exomes 0.00001; TOPMed 0.00002.
gnomAD v4.1: 102 of 1,607,164 alleles (0.0063%); highest among the groups gnomAD compares: Middle Eastern, 0.016%; no homozygotes.

Submissions (2):

Labcorp Genetics (formerly Invitae), Labcorp
Classification: Likely benign for Methylmalonic acidemia with homocystinuria, type cblJ. Last evaluated: 2025-10-06. Review status: criteria provided, single submitter. Criteria: Invitae Variant Classification Sherloc (09022015). Collection method: clinical testing. Allele origin: germline.

GeneDx
Classification: Likely benign. Last evaluated: 2017-06-20. Review status: criteria provided, single submitter. Criteria: GeneDx Variant Classification (06012015). Collection method: clinical testing. Allele origin: germline. Affected: yes.
Comment: This variant is considered likely benign or benign based on one or more of the following criteria: it is a conservative change, it occurs at a poorly conserved position in the protein, it is predicted to be benign by multiple in silico algorithms, and/or has population frequency not consistent with disease.

NM_005050.4(ABCD4):c.9C>G (p.Val3=)

Gene: ABCD4 (ATP binding cassette subfamily D member 4; minus strand). Cytogenetic location: 14q24.3.
Variant type: single nucleotide variant.
Coding change: c.9C>G on transcript NM_005050.4 (MANE Select); coding-DNA position 9, C replaced by G.
Protein change: p.Val3=; no amino-acid change (valine 3 retained).
Molecular consequence: synonymous variant. On other transcripts: 5 prime UTR variant (19), non-coding transcript variant (10).
Genome position (GRCh38, 1-based): chr14:74,302,904, G>C on the plus strand (C>G on the coding strand, the complement: ABCD4 is on the minus strand). VCF-style: chr14-74302904-G-C. GRCh37 (hg19) VCF-style: chr14-74769607-G-C.
Other names: c.9C>G, p.Val3= (NM_001353591.2, NM_001353592.2, NM_020325.3); c.-134C>G (NM_001353593.2, NM_001353594.2); c.-401C>G (NM_001353595.2); c.-273C>G (NM_001353596.2, NM_001353597.2); c.-222C>G (NM_001353598.2); c.-329C>G (NM_001353599.2, NM_020324.3); c.-341C>G (NM_001353600.2); c.-201C>G (NM_001353601.2); and 6 more.
Identifiers: ClinVar variation 510065 (VCV000510065.8), dbSNP rs72542410, ClinGen allele CA7267378.